The following is an entry in ClinVar:

ClinVar aggregate classification (germline): Benign/Likely benign. Review status: criteria provided, multiple submitters, no conflicts (2 of 4 stars). 9 submissions from 9 submitters: Benign (3); Likely benign (4). 2 of the submissions do not count toward it. Last evaluated 2026-02-02.

Conditions:
Hereditary cancer-predisposing syndrome. Also called: Neoplastic Syndromes, Hereditary; Hereditary Cancer Syndrome; Tumor predisposition; Hereditary neoplastic syndrome. Identifiers: Orphanet 140162, MedGen C0027672, MeSH D009386, MONDO:0015356.
Fanconi anemia (FA). Also called: Fanconi's anemia. Identifiers: Orphanet 84, MedGen C0015625, MeSH D005199, MONDO:0019391.
Fanconi anemia complementation group C (FANCC). Also called: FANCONI PANCYTOPENIA, TYPE 3; FACC; FANCC-Related Fanconi Anemia; Fanconi anemia, group C. Identifiers: Orphanet 84, MedGen C3468041, MONDO:0009213, OMIM 227645.

Allele frequency attached by ClinVar (database versions not stated): 1000 Genomes Project 0.00180; gnomAD exomes 0.00012 and 0.00046; 1000 Genomes Project 30x 0.00187; gnomAD 0.00020 and 0.00027; TOPMed 0.00033; ExAC 0.00043.
gnomAD v4.1: 227 of 1,614,180 alleles (0.014%); highest among the groups gnomAD compares: East Asian, 0.29%; no homozygotes.

Submissions (9):

Labcorp Genetics (formerly Invitae), Labcorp
Classification: Benign for Fanconi anemia. Last evaluated: 2026-02-02. Review status: criteria provided, single submitter. Criteria: Invitae Variant Classification Sherloc (09022015). Collection method: clinical testing. Allele origin: germline.

Blueprint Genetics
Classification: Likely benign. Last evaluated: 2024-11-04. Review status: criteria provided, single submitter. Criteria: ACMG Guidelines, 2015. Collection method: clinical testing. Allele origin: germline.

Sema4
Classification: Benign for Fanconi anemia. Last evaluated: 2021-10-05. Review status: criteria provided, single submitter. Criteria: Sema4 Curation Guidelines. Collection method: curation. Allele origin: germline.

Genetic Services Laboratory, University of Chicago
Classification: Likely benign. Last evaluated: 2018-03-21. Review status: criteria provided, single submitter. Criteria: ACMG Guidelines, 2015. Collection method: clinical testing. Allele origin: germline. Affected: no.

Illumina Laboratory Services, Illumina
Classification: Likely benign for Fanconi anemia complementation group C. Last evaluated: 2018-01-13. Review status: criteria provided, single submitter. Criteria: ICSL Variant Classification Criteria 13 December 2019. Collection method: clinical testing. Allele origin: germline.
Comment: This variant was observed in the ICSL laboratory as part of a predisposition screen in an ostensibly healthy population. It had not been previously curated by ICSL or reported in the Human Gene Mutation Database (HGMD: prior to June 1st, 2018), and was therefore a candidate for classification through an automated scoring system. Utilizing variant allele frequency, disease prevalence and penetrance estimates, and inheritance mode, an automated score was calculated to assess if this variant is too frequent to cause the disease. Based on the score and internal cut-off values, a variant classified as likely benign is not then subjected to further curation. The score for this variant resulted in a classification of likely benign for this disease.

Ambry Genetics
Classification: Likely benign for Hereditary cancer-predisposing syndrome. Last evaluated: 2017-02-17. Review status: criteria provided, single submitter. Criteria: Ambry Variant Classification Scheme 2023. Collection method: clinical testing. Allele origin: germline.

GeneDx
Classification: Benign. Last evaluated: 2014-01-07. Review status: criteria provided, single submitter. Criteria: GeneDx Variant Classification (06012015). Collection method: clinical testing. Allele origin: germline. Affected: yes.
Comment: This variant is considered likely benign or benign based on one or more of the following criteria: it is a conservative change, it occurs at a poorly conserved position in the protein, it is predicted to be benign by multiple in silico algorithms, and/or has population frequency not consistent with disease.

Natera, Inc.
Classification: Benign for Fanconi anemia. Last evaluated: 2020-04-09. Review status: no assertion criteria provided. Collection method: clinical testing. Allele origin: germline. Not counted in ClinVar's aggregate classification.

Department of Pathology and Laboratory Medicine, Sinai Health System
Classification: Likely benign. Review status: no assertion criteria provided. Collection method: clinical testing. Allele origin: unknown. Affected: yes. Observed: 1 variant allele. Study: The Canadian Open Genetics Repository (COGR). Not counted in ClinVar's aggregate classification.
Comment: The FANCC p.Thr469= variant was not identified in the literature nor was it identified in the COSMIC, MutDB, or LOVD 3.0 databases. The variant was identified in dbSNP (ID: rs79722116) as â€šÃ„ÃºWith Benign alleleâ€šÃ„Ã¹, and in the ClinVar and Clinvitae databases (classified as benign by GeneDx and Invitae; and likely benign by Ambry Genetics). The variant was identified in control databases in 122 of 277068 chromosomes (1 homozygous) at a frequency of 0.0004 (Genome Aggregation Database Feb 27, 2017). It was observed in the following populations: â€šÃ„ÃºOtherâ€šÃ„Ã¹ in 2 of 6452 chromosomes (freq: 0.0003), Latino in 1 of 34416 chromosomes (freq: 0.00003), European Non-Finnish in 3 of 126610 chromosomes (freq: 0.00002), East Asian in 111 of 18864 chromosomes (freq: 0.006), Finnish in 1 of 25776 chromosomes (freq: 0.00004), and South Asian in 4 of 30774 chromosomes (freq: 0.0001); it was not observed in the African or Ashkenazi Jewish, populations. The p.Thr469= variant is not expected to have clinical significance because it does not result in a change of amino acid and is not located in a known consensus splice site. In summary, based on the above information the clinical significance of this variant cannot be determined with certainty at this time although we would lean towards a more benign role for this variant. This variant is classified as likely benign.

NM_000136.3(FANCC):c.1407G>A (p.Thr469=)

Genes: AOPEP (aminopeptidase O (putative); plus strand), FANCC (FA complementation group C; minus strand). Cytogenetic location: 9q22.32.
Variant type: single nucleotide variant.
Coding change: c.1407G>A on transcript NM_000136.3 (MANE Select); coding-DNA position 1407, G replaced by A.
Protein change: p.Thr469=; no amino-acid change (threonine 469 retained).
Molecular consequence: synonymous variant.
Genome position (GRCh38, 1-based): chr9:95,107,192, C>T on the plus strand (G>A on the coding strand, the complement: FANCC is on the minus strand). VCF-style: chr9-95107192-C-T. GRCh37 (hg19) VCF-style: chr9-97869474-C-T.
Other names: p.T469T:ACG>ACA; c.1407G>A, p.Thr469= (NM_001243743.2).
Identifiers: ClinVar variation 137284 (VCV000137284.35), dbSNP rs79722116, ClinGen allele CA290829.